The following is an entry in ClinVar:

ClinVar aggregate classification (germline): Uncertain significance (1 of 4 stars; one submission).

gnomAD v4.1: 1 of 1,613,074 alleles (0.000062%); highest among the groups gnomAD compares: Non-Finnish European, 0.000085%; no homozygotes.

Submission:

Labcorp Genetics (formerly Invitae), Labcorp
Classification: Uncertain significance. Last evaluated: 2024-05-22. Review status: criteria provided, single submitter. Criteria: Invitae Variant Classification Sherloc (09022015). Collection method: clinical testing. Allele origin: germline.
Comment: This sequence change replaces arginine, which is basic and polar, with lysine, which is basic and polar, at codon 600 of the CLCN6 protein (p.Arg600Lys). This variant is not present in population databases (gnomAD no frequency). This variant has not been reported in the literature in individuals affected with CLCN6-related conditions. An algorithm developed to predict the effect of missense changes on protein structure and function (PolyPhen-2) suggests that this variant is likely to be tolerated. In summary, the available evidence is currently insufficient to determine the role of this variant in disease. Therefore, it has been classified as a Variant of Uncertain Significance.

NM_001286.5(CLCN6):c.1799G>A (p.Arg600Lys)

Gene: CLCN6 (chloride voltage-gated channel 6; plus strand). Cytogenetic location: 1p36.22.
Variant type: single nucleotide variant.
Coding change: c.1799G>A on transcript NM_001286.5 (MANE Select); coding-DNA position 1799, G replaced by A.
Protein change: p.Arg600Lys; replaces arginine 600 with lysine.
Molecular consequence: missense variant. On other transcripts: non-coding transcript variant (1).
Genome position (GRCh38, 1-based): chr1:11,835,972, G>A. VCF-style: chr1-11835972-G-A. GRCh37 (hg19) VCF-style: chr1-11896029-G-A.
Other names: c.1733G>A, p.Arg578Lys (NM_001256959.2); short protein forms R578K, R600K.
Identifiers: ClinVar variation 3697925 (VCV003697925.2).